The following is an entry in ClinVar:

ClinVar aggregate classification (germline): Likely benign (1 of 4 stars; one submission).

Submission:

GeneDx
Classification: Likely benign. Last evaluated: 2018-02-13. Review status: criteria provided, single submitter. Criteria: GeneDx Variant Classification (06012015). Collection method: clinical testing. Allele origin: germline. Affected: yes.
Comment: This variant is considered likely benign or benign based on one or more of the following criteria: it is a conservative change, it occurs at a poorly conserved position in the protein, it is predicted to be benign by multiple in silico algorithms, and/or has population frequency not consistent with disease.

NM_170682.4(P2RX2):c.774+9A>C

Gene: P2RX2 (purinergic receptor P2X 2; plus strand). Cytogenetic location: 12q24.33.
Variant type: single nucleotide variant.
Coding change: c.774+9A>C on transcript NM_170682.4 (MANE Select); 9 bases into the intron after coding-DNA position 774, A replaced by C.
Molecular consequence: intron variant.
Genome position (GRCh38, 1-based): chr12:132,620,592, A>C. VCF-style: chr12-132620592-A-C. GRCh37 (hg19) VCF-style: chr12-133197178-A-C.
Other names: c.774+9A>C (NM_001282165.2, NM_170683.4, NM_174873.3); c.702+9A>C (NM_016318.4); c.672+4A>C (NM_001282164.2); c.558+9A>C (NM_012226.5); c.498+9A>C (NM_174872.3).
Identifiers: ClinVar variation 514618 (VCV000514618.1), dbSNP rs373022527, ClinGen allele CA658797996.